The following is an entry in ClinVar:

ClinVar aggregate classification (germline): Likely benign (1 of 4 stars; one submission).

Submission:

CeGaT Center for Human Genetics Tuebingen
Classification: Likely benign. Last evaluated: 2026-04-01. Review status: criteria provided, single submitter. Criteria: CeGaT Center For Human Genetics Tuebingen Variant Classification Criteria Version 2. Collection method: clinical testing. Allele origin: germline. Affected: yes. Observed: 1 variant allele.
Comment: PYGL: BP4, BP7

NC_000014.9:g.50858113T>A

Gene: PYGL (glycogen phosphorylase L; minus strand). Cytogenetic location: 14q22.1.
Variant type: single nucleotide variant.
Genome position: GRCh38 VCF-style: chr14-50858113-T-A. GRCh37 (hg19) VCF-style: chr14-51324831-T-A.
Identifiers: ClinVar variation 4874724 (VCV004874724.2).
Genomic context (GRCh38, chr14:50,858,113, plus strand): 5'-ACAATTTGCTTTTCAGAGTATTGTAAATACGTGGACTTATCTTACTGTTTCTCTGAGTGG[T>A]CCTGTCTGTACTGAGTCCTTTCCTGGCCAATGCTTGGGCCTGACAGCATCAGATTTCTGA-3'